The following is an entry in ClinVar:

ClinVar aggregate classification (germline): Uncertain significance (1 of 4 stars; one submission).

Submission:

Labcorp Genetics (formerly Invitae), Labcorp
Classification: Uncertain significance. Last evaluated: 2025-10-07. Review status: criteria provided, single submitter. Criteria: Invitae Variant Classification Sherloc (09022015). Collection method: clinical testing. Allele origin: germline.
Comment: This sequence change replaces aspartic acid, which is acidic and polar, with glycine, which is neutral and non-polar, at codon 106 of the NDUFAF7 protein (p.Asp106Gly). This variant is present in population databases (rs376451811, gnomAD 0.006%). This variant has not been reported in the literature in individuals affected with NDUFAF7-related conditions. An algorithm developed to predict the effect of missense changes on protein structure and function (PolyPhen-2) suggests that this variant is likely to be disruptive. Algorithms developed to predict the effect of sequence changes on RNA splicing suggest that this variant may disrupt the consensus splice site. In summary, the available evidence is currently insufficient to determine the role of this variant in disease. Therefore, it has been classified as a Variant of Uncertain Significance.

NM_144736.5(NDUFAF7):c.398A>G (p.Asp133Gly)

Gene: NDUFAF7 (NADH:ubiquinone oxidoreductase complex assembly factor 7; plus strand). Cytogenetic location: 2p22.2.
Variant type: single nucleotide variant.
Coding change: c.398A>G on transcript NM_144736.5 (MANE Select); coding-DNA position 398, A replaced by G.
Protein change: p.Asp133Gly; replaces aspartic acid 133 with glycine.
Molecular consequence: missense variant. On other transcripts: non-coding transcript variant (9).
Genome position (GRCh38, 1-based): chr2:37,237,857, A>G. VCF-style: chr2-37237857-A-G. GRCh37 (hg19) VCF-style: chr2-37465000-A-G.
Other names: c.317A>G, p.Asp106Gly (NM_001083946.2, NM_001350025.2); c.398A>G, p.Asp133Gly (NM_001350024.2, NM_001350027.2); short protein forms D106G, D133G.
Identifiers: ClinVar variation 4760888 (VCV004760888.1).